The following is an entry in ClinVar:

ClinVar aggregate classification (germline): Uncertain significance. Review status: criteria provided, multiple submitters, no conflicts (2 of 4 stars). 7 submissions from 7 submitters: Uncertain significance (6). 1 of the submissions does not count toward it. Last evaluated 2026-04-10.

Conditions:
Elevated circulating creatine kinase activity. Also called: Elevated creatine kinase; Elevated circulating creatine kinase concentration; Elevated serum creatine phosphokinase. Identifiers: MedGen C0241005, HP:0003236.
Inborn genetic diseases. Identifiers: MedGen C0950123, MeSH D030342.
Glycogen storage disease, type V (GSD5). Also called: McArdle type glycogen storage disease; MCARDLE DISEASE; MUSCLE GLYCOGEN PHOSPHORYLASE DEFICIENCY; MYOPHOSPHORYLASE DEFICIENCY; PYGM DEFICIENCY. Identifiers: Orphanet 368, MedGen C0017924, MONDO:0009293, OMIM 232600.

Allele frequency attached by ClinVar (database versions not stated): ExAC 0.00004; gnomAD 0.00004 and 0.00005; TOPMed 0.00004.
gnomAD v4.1: 78 of 1,613,754 alleles (0.0048%); highest among the groups gnomAD compares: Non-Finnish European, 0.0059%; no homozygotes.

Submissions (7):

GeneDx
Classification: Uncertain significance. Last evaluated: 2026-04-10. Review status: criteria provided, single submitter. Criteria: GeneDx Variant Classification Process June 2021. Collection method: clinical testing. Allele origin: germline.
Comment: Not observed at significant frequency in large population cohorts (gnomAD); In silico analysis supports that this missense variant has a deleterious effect on protein structure/function; Has not been previously published as pathogenic or benign to our knowledge

Ambry Genetics
Classification: Uncertain significance for Inborn genetic diseases. Last evaluated: 2025-09-05. Review status: criteria provided, single submitter. Criteria: Ambry Variant Classification Scheme 2023. Collection method: clinical testing. Allele origin: germline.

Fulgent Genetics
Classification: Uncertain significance for Glycogen storage disease, type V. Last evaluated: 2024-02-19. Review status: criteria provided, single submitter. Criteria: ACMG Guidelines, 2015. Collection method: clinical testing. Allele origin: germline.

CeGaT Center for Human Genetics Tuebingen
Classification: Uncertain significance. Last evaluated: 2023-12-01. Review status: criteria provided, single submitter. Criteria: CeGaT Center For Human Genetics Tuebingen Variant Classification Criteria Version 2. Collection method: clinical testing. Allele origin: germline. Affected: yes. Observed: 1 variant allele.
Comment: PYGM: PM2, PP3

Labcorp Genetics (formerly Invitae), Labcorp
Classification: Uncertain significance for Glycogen storage disease, type V. Last evaluated: 2022-04-19. Review status: criteria provided, single submitter. Criteria: Invitae Variant Classification Sherloc (09022015). Collection method: clinical testing. Allele origin: germline.
Comment: This sequence change replaces arginine, which is basic and polar, with histidine, which is basic and polar, at codon 310 of the PYGM protein (p.Arg310His). This variant is present in population databases (rs759130375, gnomAD 0.006%). This variant has not been reported in the literature in individuals affected with PYGM-related conditions. ClinVar contains an entry for this variant (Variation ID: 992819). Algorithms developed to predict the effect of missense changes on protein structure and function are either unavailable or do not agree on the potential impact of this missense change (SIFT: "Not Available"; PolyPhen-2: "Probably Damaging"; Align-GVGD: "Not Available"). In summary, the available evidence is currently insufficient to determine the role of this variant in disease. Therefore, it has been classified as a Variant of Uncertain Significance.

Blueprint Genetics
Classification: Uncertain significance. Last evaluated: 2018-08-28. Review status: criteria provided, single submitter. Criteria: ACMG Guidelines, 2015. Collection method: clinical testing. Allele origin: germline.

Institute of Human Genetics, University of Wuerzburg
Classification: Uncertain significance for Elevated circulating creatine kinase activity. Review status: no assertion criteria provided. Collection method: clinical testing. Allele origin: unknown. Not counted in ClinVar's aggregate classification.

NM_005609.4(PYGM):c.929G>A (p.Arg310His)

Gene: PYGM (glycogen phosphorylase, muscle associated; minus strand). Cytogenetic location: 11q13.1.
Variant type: single nucleotide variant.
Coding change: c.929G>A on transcript NM_005609.4 (MANE Select); coding-DNA position 929, G replaced by A.
Protein change: p.Arg310His; replaces arginine 310 with histidine.
Molecular consequence: missense variant.
Genome position (GRCh38, 1-based): chr11:64,754,763, C>T on the plus strand (G>A on the coding strand, the complement: PYGM is on the minus strand). VCF-style: chr11-64754763-C-T. GRCh37 (hg19) VCF-style: chr11-64522235-C-T.
Other names: c.929G>A (NM_005609.2); c.665G>A, p.Arg222His (NM_001164716.1); short protein forms R222H, R310H.
Identifiers: ClinVar variation 992819 (VCV000992819.28), dbSNP rs759130375, ClinGen allele CA6080074.